The following is an entry in ClinVar:

ClinVar aggregate classification (germline): Uncertain significance (1 of 4 stars; one submission).

Allele frequency attached by ClinVar (database versions not stated): gnomAD exomes below 0.00001; ExAC 0.00001.

Submission:

GeneDx
Classification: Uncertain significance. Last evaluated: 2023-05-02. Review status: criteria provided, single submitter. Criteria: GeneDx Variant Classification Process June 2021. Collection method: clinical testing. Allele origin: germline. Affected: yes.
Comment: Not observed at significant frequency in large population cohorts (gnomAD); In-frame deletion of 2 amino acids and insertion of 1 amino acid in a non-repeat region; In silico analysis supports a deleterious effect on protein structure/function; Has not been previously published as pathogenic or benign to our knowledge

NM_005334.3(HCFC1):c.4097_4099del (p.Gly1366_Thr1367delinsAla)

Gene: HCFC1 (host cell factor C1; minus strand). Cytogenetic location: Xq28.
Variant type: Deletion.
Coding change: c.4097_4099del on transcript NM_005334.3 (MANE Select); coding-DNA positions 4097 to 4099, 3 bases deleted (GCA; older notation c.4097_4099delGCA).
Protein change: p.Gly1366_Thr1367delinsAla.
Molecular consequence: inframe indel.
Genome position (GRCh38, 1-based): chrX:153,954,300-153,954,302, TGC deleted on the plus strand (GCA on the coding strand, the reverse complement: HCFC1 is on the minus strand). VCF-style (leftmost placement, unchanged base first): chrX-153954299-GTGC-G. GRCh37 (hg19) VCF-style: chrX-153219750-GTGC-G.
Other names: c.4097_4099del, p.Gly1366_Thr1367delinsAla (NM_001410705.1).
Identifiers: ClinVar variation 2501651 (VCV002501651.1), dbSNP rs782203779, ClinGen allele CA10557076.